The following is an entry in ClinVar:

NM_000078.3(CETP):c.1168G>C (p.Ala390Pro)

Gene: CETP (cholesteryl ester transfer protein; plus strand). Cytogenetic location: 16q13.
Variant type: single nucleotide variant.
Coding change: c.1168G>C on transcript NM_000078.3 (MANE Select); coding-DNA position 1168, G replaced by C.
Protein change: p.Ala390Pro; replaces alanine 390 with proline.
Molecular consequence: missense variant.
Genome position (GRCh38, 1-based): chr16:56,981,179, G>C. VCF-style: chr16-56981179-G-C. GRCh37 (hg19) VCF-style: chr16-57015091-G-C.
Other names: c.988G>C, p.Ala330Pro (NM_001286085.2); short protein forms A390P, A330P.
Identifiers: ClinVar variation 319993 (VCV000319993.17), dbSNP rs5880, ClinGen allele CA8071258.
Genomic context (GRCh38, chr16:56,981,179, plus strand): 5'-AGAGCCCTGGCTCACAGCAAATTTGGTTTCTCTCCCCAGGATATCGTGACTACCGTCCAG[G>C]CCTCCTATTCTAAGAAAAAGCTCTTCTTAAGCCTCTTGGATTTCCAGTATGTGCTGCAGA-3'
Protein context (NP_000069.2, residues 380-400): FEEDIVTTVQ[Ala390Pro]SYSKKKLFLS

ClinVar aggregate classification (germline): Benign. Review status: criteria provided, multiple submitters, no conflicts (2 of 4 stars). 5 submissions from 5 submitters: Benign (5). Last evaluated 2026-02-04.

Conditions:
Hyperalphalipoproteinemia 1 (HALP1). Also called: CETP-Related Hyperalphalipoproteinemia; CETP DEFICIENCY. Identifiers: MedGen C3149462, OMIM 143470.

Allele frequency attached by ClinVar (database versions not stated): gnomAD 0.03659 and 0.03799; ESP Exome Variant Server 0.03824; TOPMed 0.03960; 1000 Genomes Project 0.04193; 1000 Genomes Project 30x 0.04294; ExAC 0.05085; gnomAD exomes 0.05159 and 0.05187.

Submissions (5):

Labcorp Genetics (formerly Invitae), Labcorp
Classification: Benign. Last evaluated: 2026-02-04. Review status: criteria provided, single submitter. Criteria: Invitae Variant Classification Sherloc (09022015). Collection method: clinical testing. Allele origin: germline.

Mayo Clinic Laboratories, Mayo Clinic
Classification: Benign. Last evaluated: 2022-03-20. Review status: criteria provided, single submitter. Criteria: ACMG Guidelines, 2015. Collection method: clinical testing. Allele origin: germline. Observed: 63 variant alleles.
Comment: BA1

GeneDx
Classification: Benign. Last evaluated: 2018-10-01. Review status: criteria provided, single submitter. Criteria: GeneDx Variant Classification Process June 2021. Collection method: clinical testing. Allele origin: germline. Affected: yes.
Comment: This variant is associated with the following publications: (PMID: 29987113, 29083407, 27060904, 28008009, 17952847)

Illumina Laboratory Services, Illumina
Classification: Benign for Hyperalphalipoproteinemia 1. Last evaluated: 2018-03-06. Review status: criteria provided, single submitter. Criteria: ICSL Variant Classification Criteria 13 December 2019. Collection method: clinical testing. Allele origin: germline.
Comment: This variant was observed in the ICSL laboratory as part of a predisposition screen in an ostensibly healthy population. It had not been previously curated by ICSL or reported in the Human Gene Mutation Database (HGMD: prior to June 1st, 2018), and was therefore a candidate for classification through an automated scoring system. Utilizing variant allele frequency, disease prevalence and penetrance estimates, and inheritance mode, an automated score was calculated to assess if this variant is too frequent to cause the disease. Based on the score and internal cut-off values, a variant classified as benign is not then subjected to further curation. The score for this variant resulted in a classification of benign for this disease.

Breakthrough Genomics
Classification: Benign. Review status: criteria provided, single submitter. Criteria: ACMG Guidelines, 2015. Collection method: not provided. Allele origin: germline. Inheritance: Autosomal dominant inheritance. Affected: yes.